The following is an entry in ClinVar:

ClinVar aggregate classification (germline): Likely benign. Review status: criteria provided, multiple submitters, no conflicts (2 of 4 stars). 2 submissions from 2 submitters: Likely benign (2). Last evaluated 2026-01-26.

Conditions:
Predisposition to invasive fungal disease due to CARD9 deficiency (IMD103). Also called: CARD9 IMMUNODEFICIENCY; IMMUNODEFICIENCY 103, SUSCEPTIBILITY TO FUNGAL INFECTIONS; Candidiasis, familial, 2, autosomal recessive. Identifiers: Orphanet 457088, MedGen C1859353, MONDO:0008905, OMIM 212050.

Allele frequency attached by ClinVar (database versions not stated): gnomAD 0.00003 and 0.00007; TOPMed 0.00004; 1000 Genomes Project 30x 0.00047; ExAC 0.00059; 1000 Genomes Project 0.00060; gnomAD exomes 0.00018 and 0.00037.

Submissions (2):

Labcorp Genetics (formerly Invitae), Labcorp
Classification: Likely benign for Predisposition to invasive fungal disease due to CARD9 deficiency. Last evaluated: 2026-01-26. Review status: criteria provided, single submitter. Criteria: Invitae Variant Classification Sherloc (09022015). Collection method: clinical testing. Allele origin: germline.

Illumina Laboratory Services, Illumina
Classification: Likely benign for Predisposition to invasive fungal disease due to CARD9 deficiency. Last evaluated: 2018-01-13. Review status: criteria provided, single submitter. Criteria: ICSL Variant Classification Criteria 13 December 2019. Collection method: clinical testing. Allele origin: germline.
Comment: This variant was observed in the ICSL laboratory as part of a predisposition screen in an ostensibly healthy population. It had not been previously curated by ICSL or reported in the Human Gene Mutation Database (HGMD: prior to June 1st, 2018), and was therefore a candidate for classification through an automated scoring system. Utilizing variant allele frequency, disease prevalence and penetrance estimates, and inheritance mode, an automated score was calculated to assess if this variant is too frequent to cause the disease. Based on the score and internal cut-off values, a variant classified as likely benign is not then subjected to further curation. The score for this variant resulted in a classification of likely benign for this disease.

NM_052813.5(CARD9):c.925C>T (p.Arg309Cys)

Gene: CARD9 (caspase recruitment domain family member 9; minus strand). Cytogenetic location: 9q34.3.
Variant type: single nucleotide variant.
Coding change: c.925C>T on transcript NM_052813.5 (MANE Select); coding-DNA position 925, C replaced by T.
Protein change: p.Arg309Cys; replaces arginine 309 with cysteine.
Molecular consequence: missense variant.
Genome position (GRCh38, 1-based): chr9:136,370,320, G>A on the plus strand (C>T on the coding strand, the complement: CARD9 is on the minus strand). VCF-style: chr9-136370320-G-A. GRCh37 (hg19) VCF-style: chr9-139264772-G-A.
Other names: c.925C>T, p.Arg309Cys (NM_052814.4); short protein forms R309C.
Identifiers: ClinVar variation 743712 (VCV000743712.13), dbSNP rs535051926, ClinGen allele CA5332934.
Genomic context (GRCh38, chr9:136,370,320, plus strand): 5'-CCCAGGGGCCATGTCTCCCCGCCTGCCCTCCTACCCGGAGGCGTCGGGCCTCGCCCTGGC[G>A]GAGGTCCTTGCGCAGGGAGAAGATGGTGTTGGCCTGCTCCTGGTGGTCCCGCAGCGCCTG-3'
Protein context (NP_434700.2, residues 299-319): NTIFSLRKDL[Arg309Cys]QGEARRLRCM